The following is an entry in ClinVar:

ClinVar aggregate classification (germline): Likely benign. Review status: criteria provided, multiple submitters, no conflicts (2 of 4 stars). 4 submissions from 4 submitters: Likely benign (4). Last evaluated 2025-06-08.

Conditions:
Bailey-Bloch congenital myopathy (CMYO13). Also called: Congenital myopathy 13; Native American myopathy; STAC3 disorder. Identifiers: Orphanet 168572, MedGen C1850625, MONDO:0009722, OMIM 255995.

Allele frequency attached by ClinVar (database versions not stated): ExAC 0.00007; gnomAD exomes 0.00007 and 0.00009; gnomAD 0.00008 and 0.00010; TOPMed 0.00008; ESP Exome Variant Server 0.00015.
gnomAD v4.1: 152 of 1,613,420 alleles (0.0094%); highest among the groups gnomAD compares: Non-Finnish European, 0.011%; no homozygotes.

Submissions (4):

Labcorp Genetics (formerly Invitae), Labcorp
Classification: Likely benign for Bailey-Bloch congenital myopathy. Last evaluated: 2025-06-08. Review status: criteria provided, single submitter. Criteria: Invitae Variant Classification Sherloc (09022015). Collection method: clinical testing. Allele origin: germline.

Blueprint Genetics
Classification: Likely benign. Last evaluated: 2023-11-16. Review status: criteria provided, single submitter. Criteria: ACMG Guidelines, 2015. Collection method: clinical testing. Allele origin: germline.

CeGaT Center for Human Genetics Tuebingen
Classification: Likely benign. Last evaluated: 2023-01-01. Review status: criteria provided, single submitter. Criteria: CeGaT Center For Human Genetics Tuebingen Variant Classification Criteria Version 2. Collection method: clinical testing. Allele origin: germline. Affected: yes. Observed: 1 variant allele.
Comment: STAC3: BP4, BP7

PreventionGenetics, part of Exact Sciences
Classification: Likely benign. Review status: criteria provided, single submitter. Criteria: ACMG Guidelines, 2015. Collection method: clinical testing. Allele origin: germline.

NM_145064.3(STAC3):c.258C>T (p.Asn86=)

Gene: STAC3 (SH3 and cysteine rich domain 3; minus strand). Cytogenetic location: 12q13.3.
Variant type: single nucleotide variant.
Coding change: c.258C>T on transcript NM_145064.3 (MANE Select); coding-DNA position 258, C replaced by T.
Protein change: p.Asn86=; no amino-acid change (asparagine 86 retained).
Molecular consequence: synonymous variant. On other transcripts: intron variant (1).
Genome position (GRCh38, 1-based): chr12:57,249,117, G>A on the plus strand (C>T on the coding strand, the complement: STAC3 is on the minus strand). VCF-style: chr12-57249117-G-A. GRCh37 (hg19) VCF-style: chr12-57642900-G-A.
Other names: c.141C>T, p.Asn47= (NM_001286256.2); c.-126-919C>T (NM_001286257.2).
Identifiers: ClinVar variation 262572 (VCV000262572.35), dbSNP rs148939626, ClinGen allele CA6647210.